The following is an entry in ClinVar:

NM_007192.4(SUPT16H):c.554A>C (p.Lys185Thr)

Gene: SUPT16H (SPT16 homolog, facilitates chromatin remodeling subunit; minus strand). Cytogenetic location: 14q11.2.
Variant type: single nucleotide variant.
Coding change: c.554A>C on transcript NM_007192.4 (MANE Select); coding-DNA position 554, A replaced by C.
Protein change: p.Lys185Thr; replaces lysine 185 with threonine.
Molecular consequence: missense variant.
Genome position (GRCh38, 1-based): chr14:21,369,826, T>G on the plus strand (A>C on the coding strand, the complement: SUPT16H is on the minus strand). VCF-style: chr14-21369826-T-G. GRCh37 (hg19) VCF-style: chr14-21837985-T-G.
Other names: short protein forms K185T.
Identifiers: ClinVar variation 1712172 (VCV001712172.2), dbSNP rs2501776854, ClinGen allele CA388871306.

ClinVar aggregate classification (germline): Uncertain significance (1 of 4 stars; one submission).

Submission:

GeneDx
Classification: Uncertain significance. Last evaluated: 2022-04-20. Review status: criteria provided, single submitter. Criteria: GeneDx Variant Classification Process June 2021. Collection method: clinical testing. Allele origin: germline. Affected: yes.
Comment: Not observed at significant frequency in large population cohorts (gnomAD); In silico analysis supports that this missense variant has a deleterious effect on protein structure/function; Has not been previously published as pathogenic or benign to our knowledge